The following is an entry in ClinVar:

NM_058216.3(RAD51C):c.170C>G (p.Ala57Gly)

Gene: RAD51C (RAD51 paralog C; plus strand). Cytogenetic location: 17q22.
Variant type: single nucleotide variant.
Coding change: c.170C>G on transcript NM_058216.3 (MANE Select); coding-DNA position 170, C replaced by G.
Protein change: p.Ala57Gly; replaces alanine 57 with glycine.
Molecular consequence: missense variant. On other transcripts: non-coding transcript variant (2).
Genome position (GRCh38, 1-based): chr17:58,694,955, C>G. VCF-style: chr17-58694955-C-G. GRCh37 (hg19) VCF-style: chr17-56772316-C-G.
Other names: c.170C>G, p.Ala57Gly (NM_002876.4); short protein forms A57G.
Identifiers: ClinVar variation 664631 (VCV000664631.11), dbSNP rs1598455307, ClinGen allele CA400339696.

ClinVar aggregate classification (germline): Uncertain significance. Review status: criteria provided, multiple submitters, no conflicts (2 of 4 stars). 2 submissions from 2 submitters: Uncertain significance (2). Last evaluated 2024-06-17.

Conditions:
Breast-ovarian cancer, familial, susceptibility to, 3. Also called: RAD51C-Related Breast/Ovarian Cancer. Identifiers: Orphanet 145, MedGen C3150659, MONDO:0013253, OMIM 613399.
Fanconi anemia complementation group O. Also called: RAD51C-Related Fanconi Anemia. Identifiers: Orphanet 84, MedGen C3150653, MONDO:0013248, OMIM 613390.

Submissions (2):

Fulgent Genetics
Classification: Uncertain significance for Fanconi anemia complementation group O; Breast-ovarian cancer, familial, susceptibility to, 3. Last evaluated: 2024-06-17. Review status: criteria provided, single submitter. Criteria: ACMG Guidelines, 2015. Collection method: clinical testing. Allele origin: germline.

Labcorp Genetics (formerly Invitae), Labcorp
Classification: Uncertain significance for Fanconi anemia complementation group O. Last evaluated: 2020-03-10. Review status: criteria provided, single submitter. Criteria: Invitae Variant Classification Sherloc (09022015). Collection method: clinical testing. Allele origin: germline.
Comment: This sequence change replaces alanine with glycine at codon 57 of the RAD51C protein (p.Ala57Gly). The alanine residue is highly conserved and there is a small physicochemical difference between alanine and glycine. In summary, the available evidence is currently insufficient to determine the role of this variant in disease. Therefore, it has been classified as a Variant of Uncertain Significance. Algorithms developed to predict the effect of missense changes on protein structure and function are either unavailable or do not agree on the potential impact of this missense change (SIFT: "Deleterious"; PolyPhen-2: "Probably Damaging"; Align-GVGD: "Class C0"). This variant has not been reported in the literature in individuals with RAD51C-related disease. This variant is not present in population databases (ExAC no frequency).